The following is an entry in ClinVar:

NM_001286.5(CLCN6):c.56G>T (p.Gly19Val)

Gene: CLCN6 (chloride voltage-gated channel 6; plus strand). Cytogenetic location: 1p36.22.
Variant type: single nucleotide variant.
Coding change: c.56G>T on transcript NM_001286.5 (MANE Select); coding-DNA position 56, G replaced by T.
Protein change: p.Gly19Val; replaces glycine 19 with valine.
Molecular consequence: missense variant. On other transcripts: non-coding transcript variant (1).
Genome position (GRCh38, 1-based): chr1:11,806,318, G>T. VCF-style: chr1-11806318-G-T. GRCh37 (hg19) VCF-style: chr1-11866375-G-T.
Other names: c.56G>T, p.Gly19Val (NM_001256959.2); short protein forms G19V.
Identifiers: ClinVar variation 1374027 (VCV001374027.6), dbSNP rs1644507807, ClinGen allele CA338424049.
Genomic context (GRCh38, chr1:11,806,318, plus strand): 5'-GGAAGATGGCGGGGTGCAGGGGGTCTCTGTGCTGCTGCTGCAGGTGGTGCTGCTGCTGCG[G>T]TGAGCGTGAGACCCGCACCCCCGAGGAGCTGGTAAGAAGCCGGCGGAGTCGGCCTGGGGA-3'
Protein context (NP_001277.2, residues 9-29): CCCCRWCCCC[Gly19Val]ERETRTPEEL

ClinVar aggregate classification (germline): Uncertain significance (1 of 4 stars; one submission).

Allele frequency attached by ClinVar (database versions not stated): gnomAD exomes below 0.00001.
gnomAD v4.1: 1 of 1,513,440 alleles (0.000066%); highest among the groups gnomAD compares: Non-Finnish European, 0.000087%; no homozygotes.

Submission:

Labcorp Genetics (formerly Invitae), Labcorp
Classification: Uncertain significance. Last evaluated: 2021-12-20. Review status: criteria provided, single submitter. Criteria: Invitae Variant Classification Sherloc (09022015). Collection method: clinical testing. Allele origin: germline.
Comment: This sequence change replaces glycine, which is neutral and non-polar, with valine, which is neutral and non-polar, at codon 19 of the CLCN6 protein (p.Gly19Val). This variant is not present in population databases (gnomAD no frequency). This variant has not been reported in the literature in individuals affected with CLCN6-related conditions. Algorithms developed to predict the effect of missense changes on protein structure and function are either unavailable or do not agree on the potential impact of this missense change (SIFT: "Tolerated"; PolyPhen-2: "Not Available"; Align-GVGD: "Class C0"). In summary, the available evidence is currently insufficient to determine the role of this variant in disease. Therefore, it has been classified as a Variant of Uncertain Significance.